The following is an entry in ClinVar:

NM_005263.5(GFI1):c.697A>G (p.Lys233Glu)

Gene: GFI1 (growth factor independent 1 transcriptional repressor; minus strand). Cytogenetic location: 1p22.1.
Variant type: single nucleotide variant.
Coding change: c.697A>G on transcript NM_005263.5 (MANE Select); coding-DNA position 697, A replaced by G.
Protein change: p.Lys233Glu; replaces lysine 233 with glutamic acid.
Molecular consequence: missense variant.
Genome position (GRCh38, 1-based): chr1:92,480,690, T>C on the plus strand (A>G on the coding strand, the complement: GFI1 is on the minus strand). VCF-style: chr1-92480690-T-C. GRCh37 (hg19) VCF-style: chr1-92946247-T-C.
Other names: c.697A>G, p.Lys233Glu (NM_001127215.3, NM_001127216.3); short protein forms K233E.
Identifiers: ClinVar variation 5022392 (VCV005022392.1).

ClinVar aggregate classification (germline): Uncertain significance (1 of 4 stars; one submission).

gnomAD v4.1: 2 of 1,596,456 alleles (0.00013%); highest among the groups gnomAD compares: South Asian, 0.0011%; no homozygotes.

Submission:

Ambry Genetics
Classification: Uncertain significance. Last evaluated: 2026-08-09. Review status: criteria provided, single submitter. Criteria: Ambry Variant Classification Scheme 2023. Collection method: clinical testing. Allele origin: germline.
Comment: The p.K233E variant (also known as c.697A>G), located in coding exon 3 of the GFI1 gene, results from an A to G substitution at nucleotide position 697. The lysine at codon 233 is replaced by glutamic acid, an amino acid with similar properties. This amino acid position is conserved. In addition, this alteration is predicted to be tolerated by in silico analysis. Based on the available evidence, the clinical significance of this variant remains unclear.